The following is an entry in ClinVar:

NM_025137.4(SPG11):c.6927G>C (p.Gln2309His)

Gene: SPG11 (SPG11 vesicle trafficking associated, spatacsin; minus strand). Cytogenetic location: 15q21.1.
Variant type: single nucleotide variant.
Coding change: c.6927G>C on transcript NM_025137.4 (MANE Select); coding-DNA position 6927, G replaced by C.
Protein change: p.Gln2309His; replaces glutamine 2309 with histidine.
Molecular consequence: missense variant.
Genome position (GRCh38, 1-based): chr15:44,565,926, C>G on the plus strand (G>C on the coding strand, the complement: SPG11 is on the minus strand). VCF-style: chr15-44565926-C-G. GRCh37 (hg19) VCF-style: chr15-44858124-C-G.
Other names: c.6588G>C, p.Gln2196His (NM_001160227.2); short protein forms Q2309H, Q2196H.
Identifiers: ClinVar variation 534872 (VCV000534872.8), dbSNP rs1555446429, ClinGen allele CA392213170.

ClinVar aggregate classification (germline): Uncertain significance (1 of 4 stars; one submission).

Conditions:
Hereditary spastic paraplegia 11. Also called: Nakamura Osame syndrome; Autosomal recessive hereditary spastic paraplegia, mental impairment, and thin corpus callosum; Spastic paraplegia, mental retardation and thin corpus callosum; SPASTIC PARAPLEGIA, AUTOSOMAL RECESSIVE, COMPLICATED, WITH THIN CORPUS CALLOSUM; SPASTIC PARAPLEGIA, AUTOSOMAL RECESSIVE, WITH MENTAL IMPAIRMENT AND THIN CORPUS CALLOSUM; Spastic Paraplegia 11. Identifiers: Orphanet 2822, MedGen C1858479, MONDO:0011445, OMIM 604360.

gnomAD v4.1: 3 of 1,613,816 alleles (0.00019%); highest among the groups gnomAD compares: Non-Finnish European, 0.00025%; no homozygotes.

Submission:

Labcorp Genetics (formerly Invitae), Labcorp
Classification: Uncertain significance for Hereditary spastic paraplegia 11. Last evaluated: 2017-10-21. Review status: criteria provided, single submitter. Criteria: Invitae Variant Classification Sherloc (09022015). Collection method: clinical testing. Allele origin: germline.
Comment: In summary, the available evidence is currently insufficient to determine the role of this variant in disease. Therefore, it has been classified as a Variant of Uncertain Significance. Algorithms developed to predict the effect of missense changes on protein structure and function output the following: SIFT: "Tolerated"; PolyPhen-2: "Possibly Damaging"; Align-GVGD: "Class C0". The histidine amino acid residue is found in multiple mammalian species, suggesting that this missense change does not adversely affect protein function. These predictions have not been confirmed by published functional studies and their clinical significance is uncertain. This variant has not been reported in the literature in individuals with SPG11-related disease. This variant is not present in population databases (ExAC no frequency). This sequence change replaces glutamine with histidine at codon 2309 of the SPG11 protein (p.Gln2309His). The glutamine residue is highly conserved and there is a small physicochemical difference between glutamine and histidine.